The following is an entry in ClinVar:

ClinVar aggregate classification (germline): Uncertain significance (1 of 4 stars; one submission).

Submission:

Labcorp Genetics (formerly Invitae), Labcorp
Classification: Uncertain significance. Last evaluated: 2023-08-11. Review status: criteria provided, single submitter. Criteria: Invitae Variant Classification Sherloc (09022015). Collection method: clinical testing. Allele origin: germline.
Comment: In summary, the available evidence is currently insufficient to determine the role of this variant in disease. Therefore, it has been classified as a Variant of Uncertain Significance. Advanced modeling of protein sequence and biophysical properties (such as structural, functional, and spatial information, amino acid conservation, physicochemical variation, residue mobility, and thermodynamic stability) performed at Invitae indicates that this missense variant is not expected to disrupt NALCN protein function. This variant has not been reported in the literature in individuals affected with NALCN-related conditions. This variant is not present in population databases (gnomAD no frequency). This sequence change replaces phenylalanine, which is neutral and non-polar, with leucine, which is neutral and non-polar, at codon 1410 of the NALCN protein (p.Phe1410Leu).

NM_052867.4(NALCN):c.4230T>A (p.Phe1410Leu)

Gene: NALCN (sodium leak channel, non-selective; minus strand). Cytogenetic location: 13q32.3.
Variant type: single nucleotide variant.
Coding change: c.4230T>A on transcript NM_052867.4 (MANE Select); coding-DNA position 4230, T replaced by A.
Protein change: p.Phe1410Leu; replaces phenylalanine 1410 with leucine.
Molecular consequence: missense variant.
Genome position (GRCh38, 1-based): chr13:101,068,795, A>T on the plus strand (T>A on the coding strand, the complement: NALCN is on the minus strand). VCF-style: chr13-101068795-A-T. GRCh37 (hg19) VCF-style: chr13-101721147-A-T.
Other names: c.4317T>A, p.Phe1439Leu (NM_001350748.2); c.4230T>A, p.Phe1410Leu (NM_001350749.2); c.4143T>A, p.Phe1381Leu (NM_001350750.2, NM_001350751.2); short protein forms F1410L, F1381L, F1439L.
Identifiers: ClinVar variation 2746904 (VCV002746904.3), dbSNP rs2501868342, ClinGen allele CA388647535.
Genomic context (GRCh38, chr13:101,068,795, plus strand): 5'-AAATGAACAGAAATACATAAGTGCCCCAGCATAATTTCCACAGTCTGTTGCCCAGTATGT[A>T]AATTCATCTGGAGTACAAAACGGAGGCTGAACCTTTGGGGCATTGGGGTGGAAGAAGGAG-3'
Protein context (NP_443099.1, residues 1400-1420): VQPPFCTPDE[Phe1410Leu]TYWATDCGNY